The following is an entry in ClinVar:

NC_000023.10:g.(?_71710759)_(71715138_?)del

Gene: HDAC8 (histone deacetylase 8; minus strand). Cytogenetic location: Xq13.1.
Variant type: Deletion.
Identifiers: ClinVar variation 3245526 (VCV003245526.1).

ClinVar aggregate classification (germline): Pathogenic (1 of 4 stars; one submission).

Conditions:
Cornelia de Lange syndrome 5 (CDLS5). Also called: HDAC8-Related Cornelia de Lange Syndrome. Identifiers: Orphanet 199, MedGen C3550903, MONDO:0010471, OMIM 300882.

Submission:

Labcorp Genetics (formerly Invitae), Labcorp
Classification: Pathogenic for Cornelia de Lange syndrome 5. Last evaluated: 2023-05-25. Review status: criteria provided, single submitter. Criteria: Invitae Variant Classification Sherloc (09022015). Collection method: clinical testing. Allele origin: unknown.
Comment: For these reasons, this variant has been classified as Pathogenic. This variant has not been reported in the literature in individuals affected with HDAC8-related conditions. This variant is a gross deletion of the genomic region encompassing exon(s) 5-6 of the HDAC8 gene. This deletion is out-of-frame, and is expected to create a premature termination codon and result in an absent or disrupted protein product. Loss-of-function variants in HDAC8 are known to be pathogenic (PMID: 19605684, 22885700, 24403048, 25075551, 26671848).

Literature cited by the submitters: PubMed 19605684; PubMed 22885700; PubMed 24403048; PubMed 25075551; PubMed 26671848.